The following is an entry in ClinVar:

ClinVar aggregate classification (germline): Uncertain significance (1 of 4 stars; one submission).

Allele frequency attached by ClinVar (database versions not stated): gnomAD 0.00001; gnomAD exomes 0.00001 and 0.00003; ExAC 0.00003; TOPMed 0.00005; ESP Exome Variant Server 0.00015.
gnomAD v4.1: 10 of 1,610,532 alleles (0.00062%); highest among the groups gnomAD compares: African/African-American, 0.0094%; no homozygotes.

Submission:

Labcorp Genetics (formerly Invitae), Labcorp
Classification: Uncertain significance. Last evaluated: 2022-07-19. Review status: criteria provided, single submitter. Criteria: Invitae Variant Classification Sherloc (09022015). Collection method: clinical testing. Allele origin: germline.
Comment: In summary, the available evidence is currently insufficient to determine the role of this variant in disease. Therefore, it has been classified as a Variant of Uncertain Significance. Variants that disrupt the consensus splice site are a relatively common cause of aberrant splicing (PMID: 17576681, 9536098). Algorithms developed to predict the effect of sequence changes on RNA splicing suggest that this variant may create or strengthen a splice site. ClinVar contains an entry for this variant (Variation ID: 1044891). This variant has not been reported in the literature in individuals affected with CLUAP1-related conditions. This variant is present in population databases (rs141573014, gnomAD 0.04%). This sequence change affects codon 285 of the CLUAP1 mRNA. It is a 'silent' change, meaning that it does not change the encoded amino acid sequence of the CLUAP1 protein. This variant also falls at the last nucleotide of exon 8, which is part of the consensus splice site for this exon.

Literature cited by the submitters: PubMed 17576681; PubMed 9536098.

NM_015041.3(CLUAP1):c.855G>A (p.Glu285=)

Gene: CLUAP1 (clusterin associated protein 1; plus strand). Cytogenetic location: 16p13.3.
Variant type: single nucleotide variant.
Coding change: c.855G>A on transcript NM_015041.3 (MANE Select); coding-DNA position 855, G replaced by A.
Protein change: p.Glu285=; no amino-acid change (glutamic acid 285 retained).
Molecular consequence: synonymous variant.
Genome position (GRCh38, 1-based): chr16:3,523,299, G>A. VCF-style: chr16-3523299-G-A. GRCh37 (hg19) VCF-style: chr16-3573299-G-A.
Other names: c.855G>A, p.Glu285= (NM_001330454.2); c.357G>A, p.Glu119= (NM_024793.3).
Identifiers: ClinVar variation 1044891 (VCV001044891.6), dbSNP rs141573014, ClinGen allele CA7863855.